The following is an entry in ClinVar:

NM_001079802.2(FKTN):c.1172+13T>C

Gene: FKTN (fukutin; plus strand). Cytogenetic location: 9q31.2.
Variant type: single nucleotide variant.
Coding change: c.1172+13T>C on transcript NM_001079802.2 (MANE Select); 13 bases into the intron after coding-DNA position 1172, T replaced by C.
Molecular consequence: intron variant. On other transcripts: synonymous variant (1).
Genome position (GRCh38, 1-based): chr9:105,620,074, T>C. VCF-style: chr9-105620074-T-C. GRCh37 (hg19) VCF-style: chr9-108382355-T-C.
Other names: c.1185T>C, p.Asn395= (NM_001351498.2); c.1172+13T>C (NM_006731.2, NM_001351496.2, NM_001198963.2); c.776+13T>C (NM_001351502.2, NM_001351499.2, NM_001351500.2 and 1 more transcripts); c.1103+13T>C (NM_001351497.2); c.1185T>C (NM_001351498.1).
Identifiers: ClinVar variation 514058 (VCV000514058.21), dbSNP rs768792475, ClinGen allele CA5170577.

ClinVar aggregate classification (germline): Conflicting classifications of pathogenicity. Review status: criteria provided, conflicting classifications (1 of 4 stars). 7 submissions from 7 submitters: Uncertain significance (1); Benign (1); Likely benign (4). 1 of the submissions does not count toward it. Last evaluated 2026-01-29.

Conditions:
FKTN-related disorder. Also called: FKTN-related disorders; FKTN-related condition.
Walker-Warburg congenital muscular dystrophy. Also called: Muscular dystrophy-dystroglycanopathy, type A; Walker-Warburg syndrome. Identifiers: Orphanet 899, MedGen C0265221, MONDO:0000171.

Allele frequency attached by ClinVar (database versions not stated): gnomAD 0.00007 and 0.00009; gnomAD exomes 0.00016 and 0.00077; TOPMed 0.00029; ExAC 0.00068.
gnomAD v4.1: 239 of 1,602,240 alleles (0.015%); highest among the groups gnomAD compares: Admixed American, 0.39%; no homozygotes.

Submissions (7):

Labcorp Genetics (formerly Invitae), Labcorp
Classification: Benign for Walker-Warburg congenital muscular dystrophy. Last evaluated: 2026-01-29. Review status: criteria provided, single submitter. Criteria: Invitae Variant Classification Sherloc (09022015). Collection method: clinical testing. Allele origin: germline.

Blueprint Genetics
Classification: Likely benign. Last evaluated: 2024-03-11. Review status: criteria provided, single submitter. Criteria: ACMG Guidelines, 2015. Collection method: clinical testing. Allele origin: germline.

Women's Health and Genetics/Laboratory Corporation of America, LabCorp
Classification: Uncertain significance. Last evaluated: 2022-05-28. Review status: criteria provided, single submitter. Criteria: LabCorp Variant Classification Summary - May 2015. Collection method: clinical testing. Allele origin: germline.

ARUP Laboratories, Molecular Genetics and Genomics, ARUP Laboratories
Classification: Likely benign. Last evaluated: 2019-03-04. Review status: criteria provided, single submitter. Criteria: ARUP Molecular Germline Variant Investigation Process. Collection method: clinical testing. Allele origin: germline.

GeneDx
Classification: Likely benign. Last evaluated: 2017-12-12. Review status: criteria provided, single submitter. Criteria: GeneDx Variant Classification (06012015). Collection method: clinical testing. Allele origin: germline. Affected: yes.
Comment: This variant is considered likely benign or benign based on one or more of the following criteria: it is a conservative change, it occurs at a poorly conserved position in the protein, it is predicted to be benign by multiple in silico algorithms, and/or has population frequency not consistent with disease.

Breakthrough Genomics
Classification: Likely benign. Review status: criteria provided, single submitter. Criteria: ACMG Guidelines, 2015. Collection method: not provided. Allele origin: germline. Inheritance: Autosomal recessive inheritance. Affected: yes.

PreventionGenetics, part of Exact Sciences
Classification: Likely benign for FKTN-related condition. Last evaluated: 2020-10-13. Review status: no assertion criteria provided. Collection method: clinical testing. Allele origin: germline. Not counted in ClinVar's aggregate classification.
Comment: This variant is classified as likely benign based on ACMG/AMP sequence variant interpretation guidelines (Richards et al. 2015 PMID: 25741868, with internal and published modifications).